The following is an entry in ClinVar:

NM_013382.7(POMT2):c.785G>A (p.Trp262Ter)

Gene: POMT2 (protein O-mannosyltransferase 2; minus strand). Cytogenetic location: 14q24.3.
Variant type: single nucleotide variant.
Coding change: c.785G>A on transcript NM_013382.7 (MANE Select); coding-DNA position 785, G replaced by A.
Protein change: p.Trp262Ter; replaces tryptophan 262 with a stop codon.
Molecular consequence: nonsense.
Genome position (GRCh38, 1-based): chr14:77,301,121, C>T on the plus strand (G>A on the coding strand, the complement: POMT2 is on the minus strand). VCF-style: chr14-77301121-C-T. GRCh37 (hg19) VCF-style: chr14-77767464-C-T.
Other names: short protein forms W262*.
Identifiers: ClinVar variation 2445861 (VCV002445861.1), dbSNP rs2503276780, ClinGen allele CA390520141.

ClinVar aggregate classification (germline): Likely pathogenic (1 of 4 stars; one submission).

Conditions:
Autosomal recessive limb-girdle muscular dystrophy. Identifiers: Orphanet 102015, MedGen C2931907, MONDO:0015152.

Submission:

Women's Health and Genetics/Laboratory Corporation of America, LabCorp
Classification: Likely pathogenic for Autosomal recessive limb-girdle muscular dystrophy. Last evaluated: 2023-02-15. Review status: criteria provided, single submitter. Criteria: LabCorp Variant Classification Summary - May 2015. Collection method: clinical testing. Allele origin: germline.
Comment: Variant summary: POMT2 c.785G>A (p.Trp262X) results in a premature termination codon, predicted to cause a truncation of the encoded protein or absence of the protein due to nonsense mediated decay, which are commonly known mechanisms for disease. Truncations downstream of this position are cited as pathogenic and disease-associated in ClinVar and HGMD. The variant was absent in 251476 control chromosomes. To our knowledge, no occurrence of c.785G>A in individuals affected with Limb-Girdle Muscular Dystrophy, Autosomal Recessive and no experimental evidence demonstrating its impact on protein function have been reported. However, another variant (c.786G>A) also resulting in p.Trp262X was observed in a patient with Limb Girdle Muscular Dystrophy (Saredi_2014). No clinical diagnostic laboratories have submitted clinical-significance assessments for this variant to ClinVar after 2014. Based on the evidence outlined above, the variant was classified as likely pathogenic.

Literature cited by the submitters: PubMed 24183756.